The following is an entry in ClinVar:

ClinVar aggregate classification (germline): Uncertain significance. Review status: criteria provided, multiple submitters, no conflicts (2 of 4 stars). 3 submissions from 3 submitters: Uncertain significance (3). Last evaluated 2024-01-29.

Conditions:
Hereditary cancer-predisposing syndrome. Also called: Neoplastic Syndromes, Hereditary; Tumor predisposition; Hereditary Cancer Syndrome; Hereditary neoplastic syndrome. Identifiers: Orphanet 140162, MedGen C0027672, MeSH D009386, MONDO:0015356.

Allele frequency attached by ClinVar (database versions not stated): gnomAD exomes below 0.00001; TOPMed 0.00002.
gnomAD v4.1: 1 of 1,612,958 alleles (0.000062%); highest among the groups gnomAD compares: Non-Finnish European, 0.000085%; no homozygotes.

Submissions (3):

Quest Diagnostics Nichols Institute San Juan Capistrano
Classification: Uncertain significance. Last evaluated: 2024-01-29. Review status: criteria provided, single submitter. Criteria: Quest Diagnostics criteria. Collection method: clinical testing. Allele origin: unknown.
Comment: The RAD50 c.1737G>T (p.Trp579Cys) variant has not been reported in individuals with RAD50-related conditions in the published literature. It also has not been reported in large, multi-ethnic general populations (Genome Aggregation Database). Analysis of this variant using bioinformatics tools for the prediction of the effect of amino acid changes on protein structure and function yielded conflicting predictions that this variant is benign or damaging. Based on the available information, we are unable to determine the clinical significance of this variant.

Ambry Genetics
Classification: Uncertain significance for Hereditary cancer-predisposing syndrome. Last evaluated: 2023-11-17. Review status: criteria provided, single submitter. Criteria: Ambry Variant Classification Scheme 2023. Collection method: clinical testing. Allele origin: germline.
Comment: The p.W579C variant (also known as c.1737G>T), located in coding exon 11 of the RAD50 gene, results from a G to T substitution at nucleotide position 1737. The tryptophan at codon 579 is replaced by cysteine, an amino acid with highly dissimilar properties. This amino acid position is highly conserved in available vertebrate species. In addition, the in silico prediction for this alteration is inconclusive. Since supporting evidence is limited at this time, the clinical significance of this alteration remains unclear.

Labcorp Genetics (formerly Invitae), Labcorp
Classification: Uncertain significance for Hereditary cancer-predisposing syndrome. Last evaluated: 2023-11-14. Review status: criteria provided, single submitter. Criteria: Invitae Variant Classification Sherloc (09022015). Collection method: clinical testing. Allele origin: germline.
Comment: This sequence change replaces tryptophan, which is neutral and slightly polar, with cysteine, which is neutral and slightly polar, at codon 579 of the RAD50 protein (p.Trp579Cys). This variant is not present in population databases (gnomAD no frequency). This variant has not been reported in the literature in individuals affected with RAD50-related conditions. ClinVar contains an entry for this variant (Variation ID: 819956). Advanced modeling of protein sequence and biophysical properties (such as structural, functional, and spatial information, amino acid conservation, physicochemical variation, residue mobility, and thermodynamic stability) performed at Invitae indicates that this missense variant is expected to disrupt RAD50 protein function with a positive predictive value of 80%. In summary, the available evidence is currently insufficient to determine the role of this variant in disease. Therefore, it has been classified as a Variant of Uncertain Significance.

NM_005732.4(RAD50):c.1737G>T (p.Trp579Cys)

Gene: RAD50 (RAD50 double strand break repair protein; plus strand). Cytogenetic location: 5q31.1.
Variant type: single nucleotide variant.
Coding change: c.1737G>T on transcript NM_005732.4 (MANE Select); coding-DNA position 1737, G replaced by T.
Protein change: p.Trp579Cys; replaces tryptophan 579 with cysteine.
Molecular consequence: missense variant.
Genome position (GRCh38, 1-based): chr5:132,591,978, G>T. VCF-style: chr5-132591978-G-T. GRCh37 (hg19) VCF-style: chr5-131927670-G-T.
Other names: short protein forms W579C.
Identifiers: ClinVar variation 819956 (VCV000819956.15), dbSNP rs1580994917, ClinGen allele CA360946566.